The following is an entry in ClinVar:

ClinVar aggregate classification (germline): Uncertain significance (1 of 4 stars; one submission).

Submission:

Greenwood Genetic Center Diagnostic Laboratories, Greenwood Genetic Center
Classification: Uncertain significance. Last evaluated: 2022-03-15. Review status: criteria provided, single submitter. Criteria: ACMG Guidelines, 2015. Collection method: clinical testing. Allele origin: germline. Affected: yes.
Comment: PM2, PP2

NM_004859.4(CLTC):c.1454C>G (p.Pro485Arg)

Gene: CLTC (clathrin heavy chain; plus strand). Cytogenetic location: 17q23.1.
Variant type: single nucleotide variant.
Coding change: c.1454C>G on transcript NM_004859.4 (MANE Select); coding-DNA position 1454, C replaced by G.
Protein change: p.Pro485Arg; replaces proline 485 with arginine.
Molecular consequence: missense variant.
Genome position (GRCh38, 1-based): chr17:59,663,927, C>G. VCF-style: chr17-59663927-C-G. GRCh37 (hg19) VCF-style: chr17-57741288-C-G.
Other names: c.1466C>G, p.Pro489Arg (NM_001288653.2); short protein forms P485R, P489R.
Identifiers: ClinVar variation 1676488 (VCV001676488.3), dbSNP rs2143548929, ClinGen allele CA400425256.